The following is an entry in ClinVar:

NM_001195553.2(DCX):c.96C>T (p.Ser32=)

Gene: DCX (doublecortin; minus strand). Cytogenetic location: Xq23.
Variant type: single nucleotide variant.
Coding change: c.96C>T on transcript NM_001195553.2 (MANE Select); coding-DNA position 96, C replaced by T.
Protein change: p.Ser32=; no amino-acid change (serine 32 retained).
Molecular consequence: synonymous variant.
Genome position (GRCh38, 1-based): chrX:111,410,303, G>A on the plus strand (C>T on the coding strand, the complement: DCX is on the minus strand). VCF-style: chrX-111410303-G-A. GRCh37 (hg19) VCF-style: chrX-110653531-G-A.
Other names: c.339C>T, p.Ser113= (NM_000555.3); c.96C>T, p.Ser32= (NM_001369370.1, NM_001369371.1, NM_001369372.1 and 5 more transcripts).
Identifiers: ClinVar variation 384621 (VCV000384621.16), dbSNP rs148472336, ClinGen allele CA10493342.

ClinVar aggregate classification (germline): Benign/Likely benign. Review status: criteria provided, multiple submitters, no conflicts (2 of 4 stars). 5 submissions from 5 submitters: Benign (1); Likely benign (3). 1 of the submissions does not count toward it. Last evaluated 2025-12-30.

Conditions:
DCX-related disorder. Also called: DCX-related condition; DCX-Related Disorders. Identifiers: MedGen CN381525.
Inborn genetic diseases. Identifiers: MedGen C0950123, MeSH D030342.

Allele frequency attached by ClinVar (database versions not stated): gnomAD exomes 0.00006 and 0.00016; ESP Exome Variant Server 0.00019; 1000 Genomes Project 30x 0.00021; ExAC 0.00022; 1000 Genomes Project 0.00026; gnomAD 0.00055 and 0.00060; TOPMed 0.00068.
gnomAD v4.1: 137 of 1,209,384 alleles (0.011%); highest among the groups gnomAD compares: African/African-American, 0.17%; 3 homozygotes.

Submissions (5):

Labcorp Genetics (formerly Invitae), Labcorp
Classification: Benign. Last evaluated: 2025-12-30. Review status: criteria provided, single submitter. Criteria: Invitae Variant Classification Sherloc (09022015). Collection method: clinical testing. Allele origin: germline.

Blueprint Genetics
Classification: Likely benign. Last evaluated: 2021-12-17. Review status: criteria provided, single submitter. Criteria: ACMG Guidelines, 2015. Collection method: clinical testing. Allele origin: germline.

GeneDx
Classification: Likely benign. Last evaluated: 2021-05-28. Review status: criteria provided, single submitter. Criteria: GeneDx Variant Classification Process June 2021. Collection method: clinical testing. Allele origin: germline. Affected: yes.

Ambry Genetics
Classification: Likely benign for Inborn genetic diseases. Last evaluated: 2016-01-08. Review status: criteria provided, single submitter. Criteria: Ambry Variant Classification Scheme 2023. Collection method: clinical testing. Allele origin: germline.

PreventionGenetics, part of Exact Sciences
Classification: Likely benign for DCX-related condition. Last evaluated: 2019-12-26. Review status: no assertion criteria provided. Collection method: clinical testing. Allele origin: germline. Not counted in ClinVar's aggregate classification.
Comment: This variant is classified as likely benign based on ACMG/AMP sequence variant interpretation guidelines (Richards et al. 2015 PMID: 25741868, with internal and published modifications).